The following is an entry in ClinVar:

NM_014921.5(ADGRL1):c.3779G>T (p.Gly1260Val)

Genes: ADGRL1 (adhesion G protein-coupled receptor L1; minus strand), ADGRL1-AS1 (ADGRL1 antisense RNA 1; plus strand). Cytogenetic location: 19p13.12.
Variant type: single nucleotide variant.
Coding change: c.3779G>T on transcript NM_014921.5 (MANE Select); coding-DNA position 3779, G replaced by T.
Protein change: p.Gly1260Val; replaces glycine 1260 with valine.
Molecular consequence: missense variant.
Genome position (GRCh38, 1-based): chr19:14,151,504, C>A on the plus strand (G>T on the coding strand, the complement: ADGRL1 is on the minus strand). VCF-style: chr19-14151504-C-A. GRCh37 (hg19) VCF-style: chr19-14262316-C-A.
Other names: c.3794G>T, p.Gly1265Val (NM_001008701.3); short protein forms G1260V, G1265V.
Identifiers: ClinVar variation 4997761 (VCV004997761.1).

ClinVar aggregate classification (germline): Uncertain significance (1 of 4 stars; one submission).

Conditions:
ADGRL1-related condition.

gnomAD v4.1: 3 of 1,610,192 alleles (0.00019%); highest among the groups gnomAD compares: Non-Finnish European, 0.00025%; no homozygotes.

Submission:

PreventionGenetics, part of Exact Sciences
Classification: Uncertain significance for ADGRL1-related condition. Last evaluated: 2025-02-25. Review status: criteria provided, single submitter. Criteria: ACMG Guidelines, 2015. Collection method: clinical testing. Allele origin: germline.
Comment: The ADGRL1 c.3794G>T variant is predicted to result in the amino acid substitution p.Gly1265Val. To our knowledge, this variant has not been reported in the literature or in a large population database (gnomAD), indicating this variant is rare. At this time, the clinical significance of this variant is uncertain due to the absence of conclusive functional and genetic evidence.